The following is an entry in ClinVar:

NM_000384.3(APOB):c.6606TGA[1] (p.Asp2203del)

Gene: APOB (apolipoprotein B; minus strand). Cytogenetic location: 2p24.1.
Variant type: Microsatellite.
Coding change: c.6606TGA[1] on transcript NM_000384.3 (MANE Select); one copy of the 3-base unit TGA starting at c.6606; the reference has two copies in a row; one copy, 3 bases deleted.
Protein change: p.Asp2203del; deletes aspartic acid 2203.
Molecular consequence: inframe deletion.
Genome position (GRCh38, 1-based): chr2:21,010,257-21,010,259, TCA deleted on the plus strand (TGA on the coding strand, the reverse complement: APOB is on the minus strand); deleting any 3 consecutive bases within chr2:21,010,257-21,010,262 gives the same sequence; the position shown is the placement nearest the transcript's 3' end. VCF-style (leftmost placement, unchanged base first): chr2-21010256-TTCA-T. GRCh37 (hg19) VCF-style: chr2-21233128-TTCA-T.
Other names: short protein forms D2203del.
Identifiers: ClinVar variation 404406 (VCV000404406.9), dbSNP rs1060500238, ClinGen allele CA16610674.
Genomic context (GRCh38, chr2:21,010,256, plus strand): 5'-TTTTACTAAATTTACACGGATATGATAGTGCTCATCAAGACTTTTTAATTTTTCAATGAT[TTCA>T]TCAATAATATTAGCAATAGCTATTTTCAAATCATGTAAATCATAACTATCTTTAATATAC-3'

ClinVar aggregate classification (germline): Uncertain significance (1 of 4 stars; one submission).

Conditions:
Hypercholesterolemia, autosomal dominant, type B (FHCL2). Also called: APOB-Related Familial Hypercholesterolemia, Autosomal Dominant; Familial Hypercholesterolemia Type B; APOLIPOPROTEIN B-100, FAMILIAL DEFECTIVE; APOLIPOPROTEIN B-100, FAMILIAL LIGAND-DEFECTIVE; Hyperlipoproteinemia Type IIb; Familial hypercholesterolemia 2. Identifiers: MedGen C1704417, MONDO:0007751, OMIM 144010.
Familial hypobetalipoproteinemia 1. Also called: APOB-Related Familial Hypobetalipoproteinemia; Hypobetalipoproteinemia, normotriglyceridemic; Acanthocytosis with hypobetalipoproteinemia. Identifiers: MedGen C4551990, MONDO:0014252, OMIM 615558.

Submission:

Labcorp Genetics (formerly Invitae), Labcorp
Classification: Uncertain significance for Familial hypobetalipoproteinemia 1; Hypercholesterolemia, autosomal dominant, type B. Last evaluated: 2016-12-13. Review status: criteria provided, single submitter. Criteria: Invitae Variant Classification Sherloc (09022015). Collection method: clinical testing. Allele origin: germline.
Comment: In summary, this variant is a novel in-frame deletion with an uncertain impact on protein function. It has been classified as a Variant of Uncertain Significance. Experimental studies and prediction algorithms are not available for this variant, and the functional significance of the deleted amino acid is currently unknown. This variant is not present in population databases (ExAC no frequency) and has not been reported in the literature in individuals with a APOB-related disease. This sequence change deletes 3 nucleotides from exon 26 of the APOB mRNA (c.6609_6611delTGA). This leads to the deletion of 1 amino acid residue in the APOB protein (p.Asp2203del) but otherwise preserves the integrity of the reading frame.